The following is an entry in ClinVar:

ClinVar aggregate classification (germline): Uncertain significance (1 of 4 stars; one submission).

Submission:

Labcorp Genetics (formerly Invitae), Labcorp
Classification: Uncertain significance. Last evaluated: 2022-02-11. Review status: criteria provided, single submitter. Criteria: Invitae Variant Classification Sherloc (09022015). Collection method: clinical testing. Allele origin: germline.
Comment: Algorithms developed to predict the effect of missense changes on protein structure and function are either unavailable or do not agree on the potential impact of this missense change (SIFT: "Not Available"; PolyPhen-2: "Benign"; Align-GVGD: "Not Available"). This variant has not been reported in the literature in individuals affected with SLC9A3-related conditions. This variant is not present in population databases (gnomAD no frequency). This sequence change replaces glutamic acid, which is acidic and polar, with aspartic acid, which is acidic and polar, at codon 29 of the SLC9A3 protein (p.Glu29Asp). In summary, the available evidence is currently insufficient to determine the role of this variant in disease. Therefore, it has been classified as a Variant of Uncertain Significance.

NM_004174.4(SLC9A3):c.87G>C (p.Glu29Asp)

Gene: SLC9A3 (solute carrier family 9 member A3). Cytogenetic location: 5p15.33.
Variant type: single nucleotide variant.
Coding change: c.87G>C on transcript NM_004174.4 (MANE Select); coding-DNA position 87, G replaced by C.
Protein change: p.Glu29Asp; replaces glutamic acid 29 with aspartic acid.
Molecular consequence: missense variant.
Genome position (GRCh38, 1-based): chr5:524,236, C>G on the plus strand (G>C on the coding strand, the complement: SLC9A3 is on the minus strand). VCF-style: chr5-524236-C-G. GRCh37 (hg19) VCF-style: chr5-524351-C-G.
Other names: c.87G>C, p.Glu29Asp (NM_001284351.3); short protein forms E29D.
Identifiers: ClinVar variation 2096457 (VCV002096457.4), dbSNP rs2477760496, ClinGen allele CA359018534.
Genomic context (GRCh38, chr5:524,236, plus strand): 5'-CCACTCGAAGGTGACCACCTGGAAGCCCCCGCTCTCGCCGTGCGCGCCGCCGGGCTCCAC[C>G]TCGACGCCCCCGGCCCGCGCCAGCCCGCCCAGCGCCAGCGCCAGCAGCAGCCCCCGGTCG-3'
Protein context (NP_004165.2, residues 19-39): LGGLARAGGV[Glu29Asp]VEPGGAHGES